The following is an entry in ClinVar:

ClinVar aggregate classification (germline): Likely pathogenic (1 of 4 stars; one submission).

Conditions:
KBG syndrome (KBGS). Also called: ANKRD11-Related KBG Syndrome. Identifiers: Orphanet 2332, MedGen C0220687, MONDO:0007846, OMIM 148050.

Submission:

Juno Genomics, Hangzhou Juno Genomics, Inc
Classification: Likely pathogenic for KBG syndrome. Review status: criteria provided, single submitter. Criteria: ACMG Guidelines, 2015. Collection method: clinical testing. Allele origin: germline. Affected: yes.
Comment: Null variant in a gene where loss of function (LOF) is a known mechanism of disease.;Absent from controls (or at extremely low frequency if recessive) in Genome Aggregation Database, Exome Sequencing Project, 1000 Genomes Project, or Exome Aggregation Consortium.

NM_013275.6(ANKRD11):c.2405_2406del (p.Leu802fs)

Gene: ANKRD11 (ankyrin repeat domain 11; minus strand). Cytogenetic location: 16q24.3.
Variant type: Deletion.
Coding change: c.2405_2406del on transcript NM_013275.6 (MANE Select); coding-DNA positions 2405 to 2406, 2 bases deleted (TC; older notation c.2405_2406delTC).
Protein change: p.Leu802fs; shifts the reading frame from leucine 802.
Molecular consequence: frameshift variant.
Genome position (GRCh38, 1-based): chr16:89,284,136-89,284,137, GA deleted on the plus strand (TC on the coding strand, the reverse complement: ANKRD11 is on the minus strand); deleting any 2 consecutive bases within chr16:89,284,136-89,284,138 gives the same sequence; the c. name uses the placement nearest the transcript's 3' end. VCF-style (leftmost placement, unchanged base first): chr16-89284135-TGA-T. GRCh37 (hg19) VCF-style: chr16-89350543-TGA-T.
Other names: c.2405_2406del, p.Leu802fs (NM_001256182.2, NM_001256183.2); short protein forms L802fs.
Identifiers: ClinVar variation 3382565 (VCV003382565.2).